The following is an entry in ClinVar:

ClinVar aggregate classification (germline): Uncertain significance (1 of 4 stars; one submission).

Allele frequency attached by ClinVar (database versions not stated): ExAC 0.00001; gnomAD exomes 0.00001 and 0.00004; ESP Exome Variant Server 0.00008.

Submission:

Labcorp Genetics (formerly Invitae), Labcorp
Classification: Uncertain significance. Last evaluated: 2021-09-24. Review status: criteria provided, single submitter. Criteria: Invitae Variant Classification Sherloc (09022015). Collection method: clinical testing. Allele origin: germline.
Comment: This sequence change replaces isoleucine with valine at codon 390 of the USH1C protein (p.Ile390Val). The isoleucine residue is moderately conserved and there is a small physicochemical difference between isoleucine and valine. This variant is present in population databases (rs374410443, ExAC 0.001%). This variant has not been reported in the literature in individuals with USH1C-related conditions. Algorithms developed to predict the effect of missense changes on protein structure and function output the following: SIFT: "Tolerated"; PolyPhen-2: "Benign"; Align-GVGD: "Class C0". The valine amino acid residue is found in multiple mammalian species, suggesting that this missense change does not adversely affect protein function. These predictions have not been confirmed by published functional studies and their clinical significance is uncertain. In summary, the available evidence is currently insufficient to determine the role of this variant in disease. Therefore, it has been classified as a Variant of Uncertain Significance.

NM_153676.4(USH1C):c.1168A>G (p.Ile390Val)

Gene: USH1C (USH1 protein network component harmonin; minus strand). Cytogenetic location: 11p15.1.
Variant type: single nucleotide variant.
Coding change: c.1168A>G on transcript NM_153676.4 (MANE Select); coding-DNA position 1168, A replaced by G.
Protein change: p.Ile390Val; replaces isoleucine 390 with valine.
Molecular consequence: missense variant. On other transcripts: non-coding transcript variant (1).
Genome position (GRCh38, 1-based): chr11:17,520,912, T>C on the plus strand (A>G on the coding strand, the complement: USH1C is on the minus strand). VCF-style: chr11-17520912-T-C. GRCh37 (hg19) VCF-style: chr11-17542459-T-C.
Other names: c.1111A>G, p.Ile371Val (NM_001297764.2); c.1168A>G, p.Ile390Val (NM_005709.4); short protein forms I371V, I390V.
Identifiers: ClinVar variation 1402722 (VCV001402722.5), dbSNP rs374410443, ClinGen allele CA5904699.
Genomic context (GRCh38, chr11:17,520,912, plus strand): 5'-TCGGCTCATGAAACTTACACTTTGGCTTGCGAAGGGGTACTGGGTGTACCTCAGCAGTGA[T>C]GGTTTTAGGCAAGAGTAGCTGTTCCTTTGAGCCCCAGTCTTCTTCCCATTGCTTCTTAAA-3'
Protein context (NP_710142.1, residues 380-400): SKEQLLLPKT[Ile390Val]TAEVHPVPLR